The following is an entry in ClinVar:

NM_006766.5(KAT6A):c.1039_1040del (p.Thr347fs)

Gene: KAT6A (lysine acetyltransferase 6A; minus strand). Cytogenetic location: 8p11.21.
Variant type: Microsatellite.
Coding change: c.1039_1040del on transcript NM_006766.5 (MANE Select); coding-DNA positions 1039 to 1040, 2 bases deleted (AC; older notation c.1039_1040delAC).
Protein change: p.Thr347fs; shifts the reading frame from threonine 347.
Molecular consequence: frameshift variant.
Genome position (GRCh38, 1-based): chr8:41,978,645-41,978,646, GT deleted on the plus strand (AC on the coding strand, the reverse complement: KAT6A is on the minus strand); deleting any 2 consecutive bases within chr8:41,978,645-41,978,648 gives the same sequence; the c. name uses the placement nearest the transcript's 3' end. VCF-style (leftmost placement, unchanged base first): chr8-41978644-CGT-C. GRCh37 (hg19) VCF-style: chr8-41836162-CGT-C.
Other names: c.1039_1040del, p.Thr347fs (NM_001305878.2); short protein forms T347fs.
Identifiers: ClinVar variation 1709282 (VCV001709282.2), dbSNP rs2486812921, ClinGen allele CA2580614347.

ClinVar aggregate classification (germline): Likely pathogenic (1 of 4 stars; one submission).

Conditions:
Autosomal dominant intellectual disability-craniofacial anomalies-cardiac defects syndrome (ARTHS). Also called: KAT6A syndrome; Arboleda-Tham syndrome; Mental retardation, autosomal dominant 32. Identifiers: Orphanet 457193, MedGen C4225396, MONDO:0014558, OMIM 616268.

Submission:

MGZ Medical Genetics Center
Classification: Likely pathogenic for Autosomal dominant intellectual disability-craniofacial anomalies-cardiac defects syndrome. Last evaluated: 2022-03-16. Review status: criteria provided, single submitter. Criteria: ACMG Guidelines, 2015. Collection method: clinical testing. Allele origin: germline. Affected: yes. Observed: 1 variant allele.
Comment: ACMG criteria applied: PVS1, PM2_SUP